The following is an entry in ClinVar:

NM_020778.5(ALPK3):c.3112C>G (p.Arg1038Gly)

Gene: ALPK3 (alpha kinase 3; plus strand). Cytogenetic location: 15q25.3.
Variant type: single nucleotide variant.
Coding change: c.3112C>G on transcript NM_020778.5 (MANE Select); coding-DNA position 3112, C replaced by G.
Protein change: p.Arg1038Gly; replaces arginine 1038 with glycine.
Molecular consequence: missense variant.
Genome position (GRCh38, 1-based): chr15:84,857,850, C>G. VCF-style: chr15-84857850-C-G. GRCh37 (hg19) VCF-style: chr15-85401081-C-G.
Other names: short protein forms R1038G.
Identifiers: ClinVar variation 2828842 (VCV002828842.3), dbSNP rs374436550, ClinGen allele CA393359626.

ClinVar aggregate classification (germline): Uncertain significance (1 of 4 stars; one submission).

Submission:

Labcorp Genetics (formerly Invitae), Labcorp
Classification: Uncertain significance. Last evaluated: 2024-01-24. Review status: criteria provided, single submitter. Criteria: Invitae Variant Classification Sherloc (09022015). Collection method: clinical testing. Allele origin: germline.
Comment: This sequence change replaces arginine, which is basic and polar, with glycine, which is neutral and non-polar, at codon 1240 of the ALPK3 protein (p.Arg1240Gly). This variant is not present in population databases (gnomAD no frequency). This variant has not been reported in the literature in individuals affected with ALPK3-related conditions. Advanced modeling of protein sequence and biophysical properties (such as structural, functional, and spatial information, amino acid conservation, physicochemical variation, residue mobility, and thermodynamic stability) performed at Invitae indicates that this missense variant is expected to disrupt ALPK3 protein function with a positive predictive value of 80%. In summary, the available evidence is currently insufficient to determine the role of this variant in disease. Therefore, it has been classified as a Variant of Uncertain Significance.